The following is an entry in ClinVar:

ClinVar aggregate classification (germline): Likely benign. Review status: criteria provided, multiple submitters, no conflicts (2 of 4 stars). 5 submissions from 4 submitters: Likely benign (5). Last evaluated 2024-08-13.

Conditions:
Aortic valve disease 1 (AOVD1). Identifiers: MedGen C3887892, MONDO:0024523, OMIM 109730.
Adams-Oliver syndrome 5 (AOS5). Identifiers: Orphanet 974, MedGen C4014970, MONDO:0014459, OMIM 616028.

Allele frequency attached by ClinVar (database versions not stated): gnomAD 0.00001; TOPMed 0.00002.
gnomAD v4.1: 25 of 1,612,860 alleles (0.0016%); highest among the groups gnomAD compares: African/African-American, 0.0053%; 1 homozygote.

Submissions (5):

Labcorp Genetics (formerly Invitae), Labcorp
Classification: Likely benign for Adams-Oliver syndrome 5. Last evaluated: 2024-08-13. Review status: criteria provided, single submitter. Criteria: Invitae Variant Classification Sherloc (09022015). Collection method: clinical testing. Allele origin: germline.

Genome-Nilou Lab
Classification: Likely benign for Adams-Oliver syndrome 5. Last evaluated: 2022-03-15. Review status: criteria provided, single submitter. Criteria: ACMG Guidelines, 2015. Collection method: clinical testing. Allele origin: germline. Affected: no.

Genome-Nilou Lab
Classification: Likely benign for Aortic valve disease 1. Last evaluated: 2022-03-15. Review status: criteria provided, single submitter. Criteria: ACMG Guidelines, 2015. Collection method: clinical testing. Allele origin: germline. Affected: no.

Blueprint Genetics
Classification: Likely benign. Last evaluated: 2020-11-09. Review status: criteria provided, single submitter. Criteria: ACMG Guidelines, 2015. Collection method: clinical testing. Allele origin: germline.

GeneDx
Classification: Likely benign. Last evaluated: 2017-10-25. Review status: criteria provided, single submitter. Criteria: GeneDx Variant Classification (06012015). Collection method: clinical testing. Allele origin: germline. Affected: yes.
Comment: This variant is considered likely benign or benign based on one or more of the following criteria: it is a conservative change, it occurs at a poorly conserved position in the protein, it is predicted to be benign by multiple in silico algorithms, and/or has population frequency not consistent with disease.

NM_017617.5(NOTCH1):c.2745G>A (p.Pro915=)

Gene: NOTCH1 (notch receptor 1; minus strand). Cytogenetic location: 9q34.3.
Variant type: single nucleotide variant.
Coding change: c.2745G>A on transcript NM_017617.5 (MANE Select); coding-DNA position 2745, G replaced by A.
Protein change: p.Pro915=; no amino-acid change (proline 915 retained).
Molecular consequence: synonymous variant.
Genome position (GRCh38, 1-based): chr9:136,509,957, C>T on the plus strand (G>A on the coding strand, the complement: NOTCH1 is on the minus strand). VCF-style: chr9-136509957-C-T. GRCh37 (hg19) VCF-style: chr9-139404409-C-T.
Other names: c.2745G>A, p.Pro915= (LRG_1122t1).
Identifiers: ClinVar variation 477905 (VCV000477905.10), dbSNP rs766331471, ClinGen allele CA5341152.